The following is an entry in ClinVar:

ClinVar aggregate classification (germline): Likely benign. Review status: criteria provided, multiple submitters, no conflicts (2 of 4 stars). 3 submissions from 3 submitters: Likely benign (3). Last evaluated 2026-03-03.

Conditions:
Telangiectasia, hereditary hemorrhagic, type 5 (HHT5). Identifiers: Orphanet 774, MedGen C3809710, MONDO:0014217, OMIM 615506.
GDF2-related disorder. Also called: GDF2-related condition.
Cardiovascular phenotype. Identifiers: MedGen CN230736.

Allele frequency attached by ClinVar (database versions not stated): ExAC 0.00002; gnomAD exomes 0.00002 and 0.00011; gnomAD 0.00006 and 0.00007; TOPMed 0.00008; ESP Exome Variant Server 0.00015.

Submissions (3):

PreventionGenetics, part of Exact Sciences
Classification: Likely benign for GDF2-related condition. Last evaluated: 2026-03-03. Review status: criteria provided, single submitter. Criteria: ACMG Guidelines, 2015. Collection method: clinical testing. Allele origin: germline.
Comment: This variant is classified as likely benign based on ACMG/AMP sequence variant interpretation guidelines (Richards et al. 2015 PMID: 25741868, with internal and published modifications).

Labcorp Genetics (formerly Invitae), Labcorp
Classification: Likely benign for Telangiectasia, hereditary hemorrhagic, type 5. Last evaluated: 2025-10-27. Review status: criteria provided, single submitter. Criteria: Invitae Variant Classification Sherloc (09022015). Collection method: clinical testing. Allele origin: germline.

Ambry Genetics
Classification: Likely benign for Cardiovascular phenotype. Last evaluated: 2019-07-23. Review status: criteria provided, single submitter. Criteria: Ambry Variant Classification Scheme 2023. Collection method: clinical testing. Allele origin: germline.

NM_016204.4(GDF2):c.933G>A (p.Gly311=)

Gene: GDF2 (growth differentiation factor 2; plus strand). Cytogenetic location: 10q11.22.
Variant type: single nucleotide variant.
Coding change: c.933G>A on transcript NM_016204.4 (MANE Select); coding-DNA position 933, G replaced by A.
Protein change: p.Gly311=; no amino-acid change (glycine 311 retained).
Molecular consequence: synonymous variant.
Genome position (GRCh38, 1-based): chr10:47,325,427, G>A. VCF-style: chr10-47325427-G-A. GRCh37 (hg19) VCF-style: chr10-48413935-C-T.
Other names: c.933G>A (NM_016204.3).
Identifiers: ClinVar variation 1128121 (VCV001128121.12), dbSNP rs375969347, ClinGen allele CA5487986.